The following is an entry in ClinVar:

NM_003680.4(YARS1):c.397G>A (p.Val133Met)

Gene: YARS1 (tyrosyl-tRNA synthetase 1; minus strand). Cytogenetic location: 1p35.1.
Variant type: single nucleotide variant.
Coding change: c.397G>A on transcript NM_003680.4 (MANE Select); coding-DNA position 397, G replaced by A.
Protein change: p.Val133Met; replaces valine 133 with methionine.
Molecular consequence: missense variant.
Genome position (GRCh38, 1-based): chr1:32,806,595, C>T on the plus strand (G>A on the coding strand, the complement: YARS1 is on the minus strand). VCF-style: chr1-32806595-C-T. GRCh37 (hg19) VCF-style: chr1-33272196-C-T.
Other names: short protein forms V133M.
Identifiers: ClinVar variation 2784756 (VCV002784756.3), dbSNP rs2523426789, ClinGen allele CA339686942.

ClinVar aggregate classification (germline): Uncertain significance (1 of 4 stars; one submission).

Conditions:
Charcot-Marie-Tooth disease dominant intermediate C (CMTDIC). Also called: CHARCOT-MARIE-TOOTH NEUROPATHY, DOMINANT INTERMEDIATE C. Identifiers: Orphanet 100045, MedGen C1842237, MONDO:0012012, OMIM 608323.

Allele frequency attached by ClinVar (database versions not stated): gnomAD exomes below 0.00001.
gnomAD v4.1: 5 of 1,614,154 alleles (0.00031%); highest among the groups gnomAD compares: Middle Eastern, 0.017%; no homozygotes.

Submission:

Labcorp Genetics (formerly Invitae), Labcorp
Classification: Uncertain significance for Charcot-Marie-Tooth disease dominant intermediate C. Last evaluated: 2023-02-25. Review status: criteria provided, single submitter. Criteria: Invitae Variant Classification Sherloc (09022015). Collection method: clinical testing. Allele origin: germline.
Comment: In summary, the available evidence is currently insufficient to determine the role of this variant in disease. Therefore, it has been classified as a Variant of Uncertain Significance. Advanced modeling of protein sequence and biophysical properties (such as structural, functional, and spatial information, amino acid conservation, physicochemical variation, residue mobility, and thermodynamic stability) performed at Invitae indicates that this missense variant is not expected to disrupt YARS protein function. This variant has not been reported in the literature in individuals affected with YARS-related conditions. This variant is not present in population databases (gnomAD no frequency). This sequence change replaces valine, which is neutral and non-polar, with methionine, which is neutral and non-polar, at codon 133 of the YARS protein (p.Val133Met).